The following is an entry in ClinVar:

ClinVar aggregate classification (germline): Uncertain significance. Review status: criteria provided, multiple submitters, no conflicts (2 of 4 stars). 3 submissions from 3 submitters: Uncertain significance (3). Last evaluated 2024-02-17.

Conditions:
Nephrotic syndrome 15. Identifiers: MedGen C4539896, MONDO:0033262, OMIM 617609.

Allele frequency attached by ClinVar (database versions not stated): gnomAD 0.00001 and 0.00002; TOPMed 0.00003.
gnomAD v4.1: 97 of 1,613,418 alleles (0.006%); highest among the groups gnomAD compares: Middle Eastern, 0.051%; no homozygotes.

Submissions (3):

Labcorp Genetics (formerly Invitae), Labcorp
Classification: Uncertain significance. Last evaluated: 2024-02-17. Review status: criteria provided, single submitter. Criteria: Invitae Variant Classification Sherloc (09022015). Collection method: clinical testing. Allele origin: germline.
Comment: This sequence change replaces valine, which is neutral and non-polar, with glutamic acid, which is acidic and polar, at codon 248 of the MAGI2 protein (p.Val248Glu). This variant is present in population databases (rs761048587, gnomAD 0.03%). This variant has not been reported in the literature in individuals affected with MAGI2-related conditions. ClinVar contains an entry for this variant (Variation ID: 1410858). An algorithm developed to predict the effect of missense changes on protein structure and function (PolyPhen-2) suggests that this variant¬†is likely to be tolerated. In summary, the available evidence is currently insufficient to determine the role of this variant in disease. Therefore, it has been classified as a Variant of Uncertain Significance.

Ambry Genetics
Classification: Uncertain significance. Last evaluated: 2023-12-13. Review status: criteria provided, single submitter. Criteria: Ambry Variant Classification Scheme 2023. Collection method: clinical testing. Allele origin: germline.

Fulgent Genetics
Classification: Uncertain significance for Nephrotic syndrome 15. Last evaluated: 2021-08-05. Review status: criteria provided, single submitter. Criteria: ACMG Guidelines, 2015. Collection method: clinical testing. Allele origin: unknown.

NM_012301.4(MAGI2):c.743T>A (p.Val248Glu)

Gene: MAGI2 (membrane associated guanylate kinase, WW and PDZ domain containing 2; minus strand). Cytogenetic location: 7q21.11.
Variant type: single nucleotide variant.
Coding change: c.743T>A on transcript NM_012301.4 (MANE Select); coding-DNA position 743, T replaced by A.
Protein change: p.Val248Glu; replaces valine 248 with glutamic acid.
Molecular consequence: missense variant.
Genome position (GRCh38, 1-based): chr7:78,521,441, A>T on the plus strand (T>A on the coding strand, the complement: MAGI2 is on the minus strand). VCF-style: chr7-78521441-A-T. GRCh37 (hg19) VCF-style: chr7-78150758-A-T.
Other names: c.743T>A, p.Val248Glu (NM_001301128.2); c.743T>A (NM_012301.3); short protein forms V248E.
Identifiers: ClinVar variation 1410858 (VCV001410858.9), dbSNP rs761048587, ClinGen allele CA4314201.